The following is an entry in ClinVar:

ClinVar aggregate classification (germline): Conflicting classifications of pathogenicity. Review status: criteria provided, conflicting classifications (1 of 4 stars). 5 submissions from 5 submitters: Uncertain significance (1); Likely benign (4). Last evaluated 2026-01-19.

Conditions:
ABHD5-related disorder. Also called: ABHD5-related condition.
Triglyceride storage disease with ichthyosis (CDS). Also called: Chanarin-Dorfman Syndrome; Dorfman-Chanarin disease; ICHTHYOSIFORM ERYTHRODERMA WITH LEUKOCYTE VACUOLATION; TRIGLYCERIDE STORAGE DISEASE WITH IMPAIRED LONG-CHAIN FATTY ACID OXIDATION. Identifiers: Orphanet 98907, MedGen C0268238, MONDO:0010155, OMIM 275630.

Allele frequency attached by ClinVar (database versions not stated): gnomAD 0.00066; TOPMed 0.00072; ESP Exome Variant Server 0.00123; gnomAD exomes 0.00007 and 0.00010; ExAC 0.00015; 1000 Genomes Project 30x 0.00047; 1000 Genomes Project 0.00060.
gnomAD v4.1: 220 of 1,613,482 alleles (0.014%); highest among the groups gnomAD compares: African/African-American, 0.25%; 2 homozygotes.

Submissions (5):

Labcorp Genetics (formerly Invitae), Labcorp
Classification: Likely benign. Last evaluated: 2026-01-19. Review status: criteria provided, single submitter. Criteria: Invitae Variant Classification Sherloc (09022015). Collection method: clinical testing. Allele origin: germline.

Mayo Clinic Laboratories, Mayo Clinic
Classification: Likely benign. Last evaluated: 2025-09-22. Review status: criteria provided, single submitter. Criteria: ACMG Guidelines, 2015. Collection method: clinical testing. Allele origin: germline. Observed: 2 variant alleles.
Comment: BS1, BP4, BP7

PreventionGenetics, part of Exact Sciences
Classification: Likely benign for ABHD5-related condition. Last evaluated: 2025-03-29. Review status: criteria provided, single submitter. Criteria: ACMG Guidelines, 2015. Collection method: clinical testing. Allele origin: germline.
Comment: This variant is classified as likely benign based on ACMG/AMP sequence variant interpretation guidelines (Richards et al. 2015 PMID: 25741868, with internal and published modifications).

CeGaT Center for Human Genetics Tuebingen
Classification: Likely benign. Last evaluated: 2024-01-01. Review status: criteria provided, single submitter. Criteria: CeGaT Center For Human Genetics Tuebingen Variant Classification Criteria Version 2. Collection method: clinical testing. Allele origin: germline. Affected: yes. Observed: 1 variant allele.
Comment: ABHD5: BP4

Illumina Laboratory Services, Illumina
Classification: Uncertain significance for Triglyceride storage disease with ichthyosis. Last evaluated: 2018-01-12. Review status: criteria provided, single submitter. Criteria: ICSL Variant Classification Criteria 13 December 2019. Collection method: clinical testing. Allele origin: germline.

NM_016006.6(ABHD5):c.48-4C>G

Gene: ABHD5 (abhydrolase domain containing 5, lysophosphatidic acid acyltransferase; plus strand). Cytogenetic location: 3p21.33.
Variant type: single nucleotide variant.
Coding change: c.48-4C>G on transcript NM_016006.6 (MANE Select); 4 bases into the intron before coding-DNA position 48, C replaced by G.
Molecular consequence: intron variant.
Genome position (GRCh38, 1-based): chr3:43,699,272, C>G. VCF-style: chr3-43699272-C-G. GRCh37 (hg19) VCF-style: chr3-43740764-C-G.
Other names: p.?; c.48-4C>G (NM_001365650.1, NM_001355186.2); c.-76-4C>G (NM_001365649.1).
Identifiers: ClinVar variation 748282 (VCV000748282.36), dbSNP rs183345998, ClinGen allele CA2341260.